The following is an entry in ClinVar:

ClinVar aggregate classification (germline): Uncertain significance (1 of 4 stars; one submission).

Conditions:
X-linked intellectual disability, Cantagrel type (XLID98). Also called: INTELLECTUAL DEVELOPMENTAL DISORDER, X-LINKED 98. Identifiers: Orphanet 85277, MedGen C3806730, MONDO:0010483, OMIM 300912.

gnomAD v4.1: 3 of 1,211,630 alleles (0.00025%); highest among the groups gnomAD compares: South Asian, 0.0053%; no homozygotes.

Submission:

Neuberg Centre For Genomic Medicine, NCGM
Classification: Uncertain significance for X-linked intellectual disability, Cantagrel type. Review status: criteria provided, single submitter. Criteria: ACMG Guidelines, 2015. Collection method: clinical testing. Allele origin: germline. Inheritance: Autosomal recessive inheritance. Affected: yes.
Comment: The observed missense variant c.475C>A(p.Pro159Thr) in NEXMIF gene has not been reported previously as a pathogenic variant nor as a benign variant, to our knowledge. The c.475C>A variant is reported with 0.001% allele frequency in gnomAD Exomes. The amino acid Proline at position 159 is changed to a Threonine changing protein sequence and it might alter its composition and physico-chemical properties. The variant is predicted to be damaging by SIFT. The amino acid change p.Pro159Thr in NEXMIF is predicted as conserved by GERP++ and PhyloP across 100 vertebrates. For these reasons, this variant has been classified as Uncertain Significance.

NM_001008537.3(NEXMIF):c.475C>A (p.Pro159Thr)

Gene: NEXMIF (neurite extension and migration factor; minus strand). Cytogenetic location: Xq13.3.
Variant type: single nucleotide variant.
Coding change: c.475C>A on transcript NM_001008537.3 (MANE Select); coding-DNA position 475, C replaced by A.
Protein change: p.Pro159Thr; replaces proline 159 with threonine.
Molecular consequence: missense variant.
Genome position (GRCh38, 1-based): chrX:74,744,082, G>T on the plus strand (C>A on the coding strand, the complement: NEXMIF is on the minus strand). VCF-style: chrX-74744082-G-T. GRCh37 (hg19) VCF-style: chrX-73963917-G-T.
Other names: short protein forms P159T.
Identifiers: ClinVar variation 3242208 (VCV003242208.1), dbSNP rs149980277.
Genomic context (GRCh38, chrX:74,744,082, plus strand): 5'-CTGCACACGTTTCATAATCCCTATTTAGATCACCAACTTTCAGACTGATCCCTGGCTCAG[G>T]ATCTACTGCATCCTTGGATTCCATGAAGCAGCCTAAGCAAGTCCGACTTGGCTGCATGAG-3'
Protein context (NP_001008537.1, residues 149-169): CFMESKDAVD[Pro159Thr]EPGISLKVGD